The following is an entry in ClinVar:

ClinVar aggregate classification (germline): Pathogenic (1 of 4 stars; one submission).

Submission:

Labcorp Genetics (formerly Invitae), Labcorp
Classification: Pathogenic. Last evaluated: 2023-09-21. Review status: criteria provided, single submitter. Criteria: Invitae Variant Classification Sherloc (09022015). Collection method: clinical testing. Allele origin: germline.
Comment: This variant has not been reported in the literature in individuals affected with SLC12A6-related conditions. This variant is not present in population databases (gnomAD no frequency). This sequence change creates a premature translational stop signal (p.Ile335Tyrfs*45) in the SLC12A6 gene. It is expected to result in an absent or disrupted protein product. Loss-of-function variants in SLC12A6 are known to be pathogenic (PMID: 12368912, 16606917). Algorithms developed to predict the effect of sequence changes on RNA splicing suggest that this variant may create or strengthen a splice site. For these reasons, this variant has been classified as Pathogenic.

Literature cited by the submitters: PubMed 12368912; PubMed 16606917.

NM_001365088.1(SLC12A6):c.1002dup (p.Ile335fs)

Gene: SLC12A6 (solute carrier family 12 member 6; minus strand). Cytogenetic location: 15q14.
Variant type: Duplication.
Coding change: c.1002dup on transcript NM_001365088.1 (MANE Select); coding-DNA position 1002, one base duplicated (T; older notation c.1002dupT).
Protein change: p.Ile335fs; shifts the reading frame from isoleucine 335.
Molecular consequence: frameshift variant.
Genome position (GRCh38, 1-based): chr15:34,254,464, A duplicated on the plus strand (T on the coding strand, the reverse complement: SLC12A6 is on the minus strand); the first of 3 consecutive A bases (chr15:34,254,464-34,254,466); duplicating any one gives the same sequence. VCF-style (leftmost placement, unchanged base first): chr15-34254463-T-TA. GRCh37 (hg19) VCF-style: chr15-34546664-T-TA.
Other names: c.825dup, p.Ile276fs (NM_001042494.2, NM_001042495.2); c.975dup, p.Ile326fs (NM_001042496.2); c.957dup, p.Ile320fs (NM_001042497.2); c.849dup, p.Ile284fs (NM_005135.2); c.1002dup, p.Ile335fs (NM_133647.2); short protein forms I276fs, I335fs, I320fs, I284fs, I326fs.
Identifiers: ClinVar variation 2762353 (VCV002762353.3), dbSNP rs2509816917, ClinGen allele CA2697554321.